The following is an entry in ClinVar:

ClinVar aggregate classification (germline): Uncertain significance. Review status: criteria provided, multiple submitters, no conflicts (2 of 4 stars). 2 submissions from 2 submitters: Uncertain significance (2). Last evaluated 2025-05-04.

Conditions:
Gorlin syndrome. Also called: Nevoid Basal Cell Carcinoma Syndrome; Basal cell nevus syndrome. Identifiers: Orphanet 377, MedGen C0004779, MONDO:0007187.

Allele frequency attached by ClinVar (database versions not stated): gnomAD exomes 0.00002; ExAC 0.00003; TOPMed 0.00006; gnomAD 0.00007.
gnomAD v4.1: 23 of 1,610,652 alleles (0.0014%); highest among the groups gnomAD compares: Middle Eastern, 0.022%; no homozygotes.

Submissions (2):

Ambry Genetics
Classification: Uncertain significance. Last evaluated: 2025-05-04. Review status: criteria provided, single submitter. Criteria: Ambry Variant Classification Scheme 2023. Collection method: clinical testing. Allele origin: germline.

Labcorp Genetics (formerly Invitae), Labcorp
Classification: Uncertain significance for Gorlin syndrome. Last evaluated: 2020-09-25. Review status: criteria provided, single submitter. Criteria: Invitae Variant Classification Sherloc (09022015). Collection method: clinical testing. Allele origin: germline.
Comment: This sequence change replaces arginine with histidine at codon 208 of the PTCH2 protein (p.Arg208His). The arginine residue is moderately conserved and there is a small physicochemical difference between arginine and histidine. This variant is present in population databases (rs768496761, ExAC 0.02%). This variant has not been reported in the literature in individuals with PTCH2-related conditions. Algorithms developed to predict the effect of missense changes on protein structure and function output the following: SIFT: "Tolerated"; PolyPhen-2: "Benign"; Align-GVGD: "Class C0". The histidine amino acid residue is found in multiple mammalian species, suggesting that this missense change does not adversely affect protein function. These predictions have not been confirmed by published functional studies and their clinical significance is uncertain. In summary, the available evidence is currently insufficient to determine the role of this variant in disease. Therefore, it has been classified as a Variant of Uncertain Significance.

NM_003738.5(PTCH2):c.623G>A (p.Arg208His)

Gene: PTCH2 (patched 2; minus strand). Cytogenetic location: 1p34.1.
Variant type: single nucleotide variant.
Coding change: c.623G>A on transcript NM_003738.5 (MANE Select); coding-DNA position 623, G replaced by A.
Protein change: p.Arg208His; replaces arginine 208 with histidine.
Molecular consequence: missense variant.
Genome position (GRCh38, 1-based): chr1:44,831,038, C>T on the plus strand (G>A on the coding strand, the complement: PTCH2 is on the minus strand). VCF-style: chr1-44831038-C-T. GRCh37 (hg19) VCF-style: chr1-45296710-C-T.
Other names: c.623G>A, p.Arg208His (NM_001166292.2); c.623G>A (NM_003738.4); short protein forms R208H.
Identifiers: ClinVar variation 1005226 (VCV001005226.10), dbSNP rs768496761, ClinGen allele CA823561.
Genomic context (GRCh38, chr1:44,831,038, plus strand): 5'-AAGGGACCCAGCTCCTCCAGCAGCTGCTCTGGATCCAGGTTGGTCCACTGGATATCCGGG[C>T]GGCCGCTGAGGGAAAAGCCTATAGTTGGTGAGGGTCAGGGACGAAAACCCAGGCTCCAAA-3'
Protein context (NP_003729.3, residues 198-218): LQGGSAYLPG[Arg208His]PDIQWTNLDP